The following is an entry in ClinVar:

ClinVar aggregate classification (germline): Uncertain significance (1 of 4 stars; one submission).

Conditions:
Sulfite oxidase deficiency due to molybdenum cofactor deficiency type A. Also called: Molybdenum cofactor deficiency, complementation group A; Molybdenum Cofactor Deficiency A. Identifiers: Orphanet 308386, Orphanet 833, MedGen C1854988, MONDO:0009643, OMIM 252150.

Allele frequency attached by ClinVar (database versions not stated): gnomAD 0.00001; TOPMed 0.00002.
gnomAD v4.1: 3 of 1,613,996 alleles (0.00019%); highest among the groups gnomAD compares: Non-Finnish European, 0.00025%; no homozygotes.

Submission:

Labcorp Genetics (formerly Invitae), Labcorp
Classification: Uncertain significance for Sulfite oxidase deficiency due to molybdenum cofactor deficiency type A. Last evaluated: 2024-12-02. Review status: criteria provided, single submitter. Criteria: Invitae Variant Classification Sherloc (09022015). Collection method: clinical testing. Allele origin: germline.
Comment: This sequence change falls in intron 5 of the MOCS1 gene. It does not directly change the encoded amino acid sequence of the MOCS1 protein. It affects a nucleotide within the consensus splice site. This variant is not present in population databases (gnomAD no frequency). This variant has not been reported in the literature in individuals affected with MOCS1-related conditions. ClinVar contains an entry for this variant (Variation ID: 1064069). Variants that disrupt the consensus splice site are a relatively common cause of aberrant splicing (PMID: 17576681, 9536098). Algorithms developed to predict the effect of sequence changes on RNA splicing suggest that this variant is not likely to affect RNA splicing. In summary, the available evidence is currently insufficient to determine the role of this variant in disease. Therefore, it has been classified as a Variant of Uncertain Significance.

Literature cited by the submitters: PubMed 17576681; PubMed 9536098.

NM_001358530.2(MOCS1):c.645+6G>T

Gene: MOCS1 (molybdenum cofactor synthesis 1; minus strand). Cytogenetic location: 6p21.2.
Variant type: single nucleotide variant.
Coding change: c.645+6G>T on transcript NM_001358530.2 (MANE Select); 6 bases into the intron after coding-DNA position 645, G replaced by T.
Molecular consequence: intron variant.
Genome position (GRCh38, 1-based): chr6:39,913,768, C>A on the plus strand (G>T on the coding strand, the complement: MOCS1 is on the minus strand). VCF-style: chr6-39913768-C-A. GRCh37 (hg19) VCF-style: chr6-39881512-C-A.
Other names: c.384+6G>T (NM_001358531.2, NM_001358533.2, NM_001358534.2); c.645+6G>T (NM_001358529.2, NM_001075098.4, NM_005943.6).
Identifiers: ClinVar variation 1064069 (VCV001064069.8), dbSNP rs1767487620, ClinGen allele CA1088140093.